The following is an entry in ClinVar:

ClinVar aggregate classification (germline): Likely benign (1 of 4 stars; one submission).

Conditions:
Wilson disease (WND). Also called: Wilson's disease. Identifiers: Orphanet 905, MedGen C0019202, MONDO:0010200, OMIM 277900. Disease mechanism: loss of function.

Allele frequency attached by ClinVar (database versions not stated): gnomAD 0.00001; TOPMed 0.00001.
gnomAD v4.1: 1 of 1,610,924 alleles (0.000062%); highest among the groups gnomAD compares: Admixed American, 0.0017%; no homozygotes.

Submission:

All of Us Research Program, National Institutes of Health
Classification: Likely benign for Wilson disease. Last evaluated: 2023-12-13. Review status: criteria provided, single submitter. Criteria: ACMG Guidelines, 2015. Collection method: clinical testing. Allele origin: germline. Inheritance: Autosomal recessive inheritance. Observed: 2 variant alleles, 2 heterozygotes.
Comment: This study involves interpretation of variants in research participants for the purpose of population health screening. Participant phenotype was not available at the time of variant classification. Additional details can be found in publication PMID: 35346344, PMCID: PMC8962531

NM_000053.4(ATP7B):c.2122-14T>C

Gene: ATP7B (ATPase copper transporting beta; minus strand). Cytogenetic location: 13q14.3.
Variant type: single nucleotide variant.
Coding change: c.2122-14T>C on transcript NM_000053.4 (MANE Select); 14 bases into the intron before coding-DNA position 2122, T replaced by C.
Molecular consequence: intron variant.
Genome position (GRCh38, 1-based): chr13:51,958,558, A>G on the plus strand (T>C on the coding strand, the complement: ATP7B is on the minus strand). VCF-style: chr13-51958558-A-G. GRCh37 (hg19) VCF-style: chr13-52532694-A-G.
Other names: c.1870-951T>C (NM_001406541.1, NM_001005918.3, NM_001406546.1 and 1 more transcripts); c.1870-14T>C (NM_001406531.1, NM_001406532.1, NM_001406540.1 and 1 more transcripts); c.2122-951T>C (NM_001406527.1, NM_001406528.1, NM_001406534.1 and 2 more transcripts); c.2122-158T>C (NM_001406537.1, NM_001406521.1, NM_001406522.1 and 1 more transcripts); c.2122-14T>C (NM_001406513.1, NM_001406511.1, NM_001406516.1 and 7 more transcripts); c.1774-14T>C (NM_001406543.1); c.1789-14T>C (NM_001243182.2); c.1286-8397T>C (NM_001406548.1); and 8 more.
Identifiers: ClinVar variation 3070047 (VCV003070047.1), dbSNP rs1958511012, ClinGen allele CA956036968.